The following is an entry in ClinVar:

ClinVar aggregate classification (germline): Likely pathogenic (0 of 4 stars; one submission).

Conditions:
TCTN3-related disorder. Also called: TCTN3-related condition.

Submission:

PreventionGenetics, part of Exact Sciences
Classification: Likely pathogenic for TCTN3-related condition. Last evaluated: 2024-03-21. Review status: no assertion criteria provided. Collection method: clinical testing. Allele origin: germline.
Comment: The TCTN3 c.312C>A variant is predicted to result in premature protein termination (p.Cys104*). To our knowledge, this variant has not been reported in the literature or in a large population database, indicating this variant is rare. Nonsense variants in TCTN3 are expected to be pathogenic. This variant is interpreted as likely pathogenic.

NM_015631.6(TCTN3):c.312C>A (p.Cys104Ter)

Gene: TCTN3 (tectonic family member 3; minus strand). Cytogenetic location: 10q24.1.
Variant type: single nucleotide variant.
Coding change: c.312C>A on transcript NM_015631.6 (MANE Select); coding-DNA position 312, C replaced by A.
Protein change: p.Cys104Ter; replaces cysteine 104 with a stop codon.
Molecular consequence: nonsense.
Genome position (GRCh38, 1-based): chr10:95,693,421, G>T on the plus strand (C>A on the coding strand, the complement: TCTN3 is on the minus strand). VCF-style: chr10-95693421-G-T. GRCh37 (hg19) VCF-style: chr10-97453178-G-T.
Other names: c.312C>A, p.Cys104Ter (NM_001143973.2, NM_001410982.1); short protein forms C104*.
Identifiers: ClinVar variation 3349615 (VCV003349615.1).
Genomic context (GRCh38, chr10:95,693,421, plus strand): 5'-GCCTGGAAGGCAGAAGGAGAAAACTGTCCTCGGATGGAGAAGATAGCAGTCCCTGTCGCA[G>T]CAGCAATTTATATCGCAGGCTCCAGGAGTCAAGTCACAGACACAGATCGGTAAGACTATG-3'